The following is an entry in ClinVar:

NM_000748.3(CHRNB2):c.255+7G>C

Gene: CHRNB2 (cholinergic receptor nicotinic beta 2 subunit; plus strand). Cytogenetic location: 1q21.3.
Variant type: single nucleotide variant.
Coding change: c.255+7G>C on transcript NM_000748.3 (MANE Select); 7 bases into the intron after coding-DNA position 255, G replaced by C.
Molecular consequence: intron variant.
Genome position (GRCh38, 1-based): chr1:154,569,843, G>C. VCF-style: chr1-154569843-G-C. GRCh37 (hg19) VCF-style: chr1-154542319-G-C.
Other names: p.?.
Identifiers: ClinVar variation 136769 (VCV000136769.17), dbSNP rs190374968, ClinGen allele CA290092.

ClinVar aggregate classification (germline): Benign/Likely benign. Review status: criteria provided, multiple submitters, no conflicts (2 of 4 stars). 5 submissions from 5 submitters: Benign (4); Likely benign (1). Last evaluated 2026-02-03.

Conditions:
Familial sleep-related hypermotor epilepsy. Also called: Autosomal Dominant Sleep-Related Hypermotor (Hyperkinetic) Epilepsy. Identifiers: Orphanet 98784, MedGen C3696898, MONDO:0000030.

Allele frequency attached by ClinVar (database versions not stated): TOPMed 0.00039.
gnomAD v4.1: 582 of 1,613,998 alleles (0.036%); highest among the groups gnomAD compares: Admixed American, 0.95%; 8 homozygotes.

Submissions (5):

Labcorp Genetics (formerly Invitae), Labcorp
Classification: Benign. Last evaluated: 2026-02-03. Review status: criteria provided, single submitter. Criteria: Invitae Variant Classification Sherloc (09022015). Collection method: clinical testing. Allele origin: germline.

CeGaT Center for Human Genetics Tuebingen
Classification: Likely benign. Last evaluated: 2025-12-01. Review status: criteria provided, single submitter. Criteria: CeGaT Center For Human Genetics Tuebingen Variant Classification Criteria Version 2. Collection method: clinical testing. Allele origin: germline. Affected: yes. Observed: 1 variant allele.
Comment: CHRNB2: BP4, BS1

Mayo Clinic Laboratories, Mayo Clinic
Classification: Benign. Last evaluated: 2025-09-23. Review status: criteria provided, single submitter. Criteria: ACMG Guidelines, 2015. Collection method: clinical testing. Allele origin: germline. Observed: 1 variant allele.

Athena Diagnostics
Classification: Benign. Last evaluated: 2024-09-17. Review status: criteria provided, single submitter. Criteria: Athena Diagnostics Criteria. Collection method: clinical testing. Allele origin: unknown.

GeneDx
Classification: Benign. Last evaluated: 2014-02-25. Review status: criteria provided, single submitter. Criteria: GeneDx Variant Classification (06012015). Collection method: clinical testing. Allele origin: germline. Affected: yes.
Comment: This variant is considered likely benign or benign based on one or more of the following criteria: it is a conservative change, it occurs at a poorly conserved position in the protein, it is predicted to be benign by multiple in silico algorithms, and/or has population frequency not consistent with disease.